The following is an entry in ClinVar:

NM_031307.4(PUS3):c.535C>T (p.Pro179Ser)

Genes: HYLS1 (HYLS1 centriolar and ciliogenesis associated; plus strand), PUS3 (pseudouridine synthase 3; minus strand). Cytogenetic location: 11q24.2.
Variant type: single nucleotide variant.
Coding change: c.535C>T on transcript NM_031307.4 (MANE Select); coding-DNA position 535, C replaced by T.
Protein change: p.Pro179Ser; replaces proline 179 with serine.
Molecular consequence: missense variant. On other transcripts: 5 prime UTR variant (1), intron variant (5).
Genome position (GRCh38, 1-based): chr11:125,895,633, G>A on the plus strand (C>T on the coding strand, the complement: PUS3 is on the minus strand). VCF-style: chr11-125895633-G-A. GRCh37 (hg19) VCF-style: chr11-125765528-G-A.
Other names: c.-90C>T (NM_001271985.2); c.-80-3471G>A (NM_145014.3); c.-25-3711G>A (NM_001134793.2, NM_001377269.1); c.-22-3714G>A (NM_001424364.1, NM_001377270.1); short protein forms P179S.
Identifiers: ClinVar variation 1169159 (VCV001169159.12), dbSNP rs35681508, ClinGen allele CA6350494.

ClinVar aggregate classification (germline): Benign. Review status: criteria provided, multiple submitters, no conflicts (2 of 4 stars). 3 submissions from 3 submitters: Benign (2). 1 of the submissions does not count toward it. Last evaluated 2026-01-27.

Conditions:
PUS3-related disorder. Also called: PUS3-related condition.

Allele frequency attached by ClinVar (database versions not stated): 1000 Genomes Project 30x 0.01031; 1000 Genomes Project 0.01058; TOPMed 0.02419; gnomAD 0.02562 and 0.02663; ExAC 0.02569; gnomAD exomes 0.02626 and 0.03431; ESP Exome Variant Server 0.02808.
gnomAD v4.1: 53,810 of 1,614,158 alleles (3.3%); highest among the groups gnomAD compares: Non-Finnish European, 3.9%; 1,062 homozygotes.

Submissions (3):

Labcorp Genetics (formerly Invitae), Labcorp
Classification: Benign. Last evaluated: 2026-01-27. Review status: criteria provided, single submitter. Criteria: Invitae Variant Classification Sherloc (09022015). Collection method: clinical testing. Allele origin: germline.

Breakthrough Genomics
Classification: Benign. Review status: criteria provided, single submitter. Criteria: ACMG Guidelines, 2015. Collection method: not provided. Allele origin: germline. Inheritance: Autosomal recessive inheritance. Affected: yes.

PreventionGenetics, part of Exact Sciences
Classification: Benign for PUS3-related condition. Last evaluated: 2021-06-01. Review status: no assertion criteria provided. Collection method: clinical testing. Allele origin: germline. Not counted in ClinVar's aggregate classification.
Comment: This variant is classified as benign based on ACMG/AMP sequence variant interpretation guidelines (Richards et al. 2015 PMID: 25741868, with internal and published modifications).